The following is an entry in ClinVar:

ClinVar aggregate classification (germline): Benign/Likely benign. Review status: criteria provided, multiple submitters, no conflicts (2 of 4 stars). 3 submissions from 3 submitters: Benign (2); Likely benign (1). Last evaluated 2024-12-20.

Submissions (3):

Women's Health and Genetics/Laboratory Corporation of America, LabCorp
Classification: Benign. Last evaluated: 2024-12-20. Review status: criteria provided, single submitter. Criteria: LabCorp Variant Classification Summary - May 2015. Collection method: clinical testing. Allele origin: germline.
Comment: Variant summary: RASA2 c.684+15dupT alters a nucleotide located at a position not widely known to affect splicing. Consensus agreement among computation tools predict no significant impact on normal splicing. However, these predictions have yet to be confirmed by functional studies. The variant allele was found at a frequency of 9.5e-06 in 1584904 control chromosomes. The observed variant frequency is approximately 1.89 fold of the estimated maximal expected allele frequency for a pathogenic variant in RASA2 causing Noonan Syndrome phenotype (5e-06). To our knowledge, no occurrence of c.684+15dupT in individuals affected with Noonan Syndrome and no experimental evidence demonstrating its impact on protein function have been reported. ClinVar contains an entry for this variant (Variation ID: 1329026). Based on the evidence outlined above, the variant was classified as benign.

Blueprint Genetics
Classification: Likely benign. Last evaluated: 2023-10-14. Review status: criteria provided, single submitter. Criteria: ACMG Guidelines, 2015. Collection method: clinical testing. Allele origin: germline.

Labcorp Genetics (formerly Invitae), Labcorp
Classification: Benign. Last evaluated: 2023-01-04. Review status: criteria provided, single submitter. Criteria: Invitae Variant Classification Sherloc (09022015). Collection method: clinical testing. Allele origin: germline.

NM_006506.5(RASA2):c.684+15dup

Gene: RASA2 (RAS p21 protein activator 2; plus strand). Cytogenetic location: 3q23.
Variant type: Duplication.
Coding change: c.684+15dup on transcript NM_006506.5 (MANE Select); 15 bases into the intron after coding-DNA position 684, one base duplicated (T; older notation c.684+15dupT).
Molecular consequence: intron variant.
Genome position (GRCh38, 1-based): chr3:141,555,927, T duplicated; the last of 4 consecutive T bases (chr3:141,555,924-141,555,927); duplicating any one gives the same sequence. VCF-style (leftmost placement, unchanged base first): chr3-141555923-G-GT. GRCh37 (hg19) VCF-style: chr3-141274765-G-GT.
Other names: c.684+15dupT (NM_006506.5); c.684+15dup (NM_001303245.3, NM_001303246.3).
Identifiers: ClinVar variation 1329026 (VCV001329026.6), dbSNP rs769572165, ClinGen allele CA2645268.